The following is an entry in ClinVar:

NM_005859.5(PURA):c.451G>T (p.Glu151Ter)

Gene: PURA (purine rich element binding protein A; plus strand). Cytogenetic location: 5q31.3.
Variant type: single nucleotide variant.
Coding change: c.451G>T on transcript NM_005859.5 (MANE Select); coding-DNA position 451, G replaced by T.
Protein change: p.Glu151Ter; replaces glutamic acid 151 with a stop codon.
Molecular consequence: nonsense.
Genome position (GRCh38, 1-based): chr5:140,114,632, G>T. VCF-style: chr5-140114632-G-T. GRCh37 (hg19) VCF-style: chr5-139494217-G-T.
Other names: short protein forms E151*.
Identifiers: ClinVar variation 504386 (VCV000504386.2), dbSNP rs1554129089, ClinGen allele CA361490794.
Genomic context (GRCh38, chr5:140,114,632, plus strand): 5'-GACCTGGCCCAGGCGCAGGACGAGCCGCGCCGGGCGCTCAAAAGCGAGTTCCTGGTGCGC[G>T]AGAACCGCAAGTACTACATGGATCTCAAGGAGAACCAGCGCGGCCGCTTCCTGCGCATCC-3'

ClinVar aggregate classification (germline): Pathogenic (1 of 4 stars; one submission).

Submission:

GeneDx
Classification: Pathogenic. Last evaluated: 2018-02-28. Review status: criteria provided, single submitter. Criteria: GeneDx Variant Classification (06012015). Collection method: clinical testing. Allele origin: germline. Affected: yes.
Comment: The E151X variant in the PURA gene has not been reported previously as a pathogenic variant nor as a benign variant, to our knowledge. This variant is predicted to cause loss of normal protein function through protein truncation. The E151X variant is not observed in large population cohorts (Lek et al., 2016). We interpret E151X as a pathogenic variant.